The following is an entry in ClinVar:

ClinVar aggregate classification (germline): Uncertain significance. Review status: criteria provided, multiple submitters, no conflicts (2 of 4 stars). 5 submissions from 5 submitters: Uncertain significance (5). Last evaluated 2024-03-08.

Conditions:
Inborn genetic diseases. Identifiers: MedGen C0950123, MeSH D030342.
Autosomal recessive proximal renal tubular acidosis (PRTAO). Also called: RENAL TUBULAR ACIDOSIS, PROXIMAL, WITH OCULAR ABNORMALITIES AND IMPAIRED INTELLECTUAL DEVELOPMENT; RENAL TUBULAR ACIDOSIS, PROXIMAL, WITH OCULAR ABNORMALITIES AND MENTAL RETARDATION; RTA, PROXIMAL, AUTOSOMAL RECESSIVE; PROXIMAL RENAL TUBULAR ACIDOSIS-OCULAR ANOMALY SYNDROME. Identifiers: Orphanet 93607, MedGen C1970309, MONDO:0011422, OMIM 604278.

Allele frequency attached by ClinVar (database versions not stated): gnomAD exomes 0.00012 and 0.00018; 1000 Genomes Project 30x 0.00016; ExAC 0.00018; 1000 Genomes Project 0.00020; TOPMed 0.00027; ESP Exome Variant Server 0.00031; gnomAD 0.00031 and 0.00035.
gnomAD v4.1: 223 of 1,613,934 alleles (0.014%); highest among the groups gnomAD compares: African/African-American, 0.092%; no homozygotes.

Submissions (5):

Fulgent Genetics
Classification: Uncertain significance for Autosomal recessive proximal renal tubular acidosis. Last evaluated: 2024-03-08. Review status: criteria provided, single submitter. Criteria: ACMG Guidelines, 2015. Collection method: clinical testing. Allele origin: germline.

Labcorp Genetics (formerly Invitae), Labcorp
Classification: Uncertain significance. Last evaluated: 2022-11-13. Review status: criteria provided, single submitter. Criteria: Invitae Variant Classification Sherloc (09022015). Collection method: clinical testing. Allele origin: germline.
Comment: ClinVar contains an entry for this variant (Variation ID: 905198). This variant has not been reported in the literature in individuals affected with SLC4A4-related conditions. This variant is present in population databases (rs138493429, gnomAD 0.08%). This sequence change replaces alanine, which is neutral and non-polar, with valine, which is neutral and non-polar, at codon 410 of the SLC4A4 protein (p.Ala410Val). In summary, the available evidence is currently insufficient to determine the role of this variant in disease. Therefore, it has been classified as a Variant of Uncertain Significance. Algorithms developed to predict the effect of missense changes on protein structure and function output the following: SIFT: "Tolerated"; PolyPhen-2: "Benign"; Align-GVGD: "Class C0". The valine amino acid residue is found in multiple mammalian species, which suggests that this missense change does not adversely affect protein function.

Ambry Genetics
Classification: Uncertain significance for Inborn genetic diseases. Last evaluated: 2021-06-17. Review status: criteria provided, single submitter. Criteria: Ambry Variant Classification Scheme 2023. Collection method: clinical testing. Allele origin: germline.

GeneDx
Classification: Uncertain significance. Last evaluated: 2019-10-15. Review status: criteria provided, single submitter. Criteria: GeneDx Variant Classification Process June 2021. Collection method: clinical testing. Allele origin: germline. Affected: yes.
Comment: In silico analysis, which includes protein predictors and evolutionary conservation, supports that this variant does not alter protein structure/function; Has not been previously published as pathogenic or benign to our knowledge

Illumina Laboratory Services, Illumina
Classification: Uncertain significance for Autosomal recessive proximal renal tubular acidosis. Last evaluated: 2018-01-12. Review status: criteria provided, single submitter. Criteria: ICSL Variant Classification Criteria 13 December 2019. Collection method: clinical testing. Allele origin: germline.

NM_001098484.3(SLC4A4):c.1361C>T (p.Ala454Val)

Gene: SLC4A4 (solute carrier family 4 member 4; plus strand). Cytogenetic location: 4q13.3.
Variant type: single nucleotide variant.
Coding change: c.1361C>T on transcript NM_001098484.3 (MANE Select); coding-DNA position 1361, C replaced by T.
Protein change: p.Ala454Val; replaces alanine 454 with valine.
Molecular consequence: missense variant.
Genome position (GRCh38, 1-based): chr4:71,453,533, C>T. VCF-style: chr4-71453533-C-T. GRCh37 (hg19) VCF-style: chr4-72319250-C-T.
Other names: c.1361C>T, p.Ala454Val (NM_001134742.2); c.1229C>T, p.Ala410Val (NM_003759.4); short protein forms A410V, A454V.
Identifiers: ClinVar variation 905198 (VCV000905198.9), dbSNP rs138493429, ClinGen allele CA2954800.